The following is an entry in ClinVar:

ClinVar aggregate classification (germline): Likely benign (1 of 4 stars; one submission).

Submission:

GeneDx
Classification: Likely benign. Last evaluated: 2016-12-13. Review status: criteria provided, single submitter. Criteria: GeneDx Variant Classification (06012015). Collection method: clinical testing. Allele origin: germline. Affected: yes.
Comment: This variant is considered likely benign or benign based on one or more of the following criteria: it is a conservative change, it occurs at a poorly conserved position in the protein, it is predicted to be benign by multiple in silico algorithms, and/or has population frequency not consistent with disease.

NM_006280.3(SSR4):c.352-26GCACCTCCCTT[3]

Gene: SSR4 (signal sequence receptor subunit 4; plus strand). Cytogenetic location: Xq28.
Variant type: Microsatellite.
Coding change: c.352-26GCACCTCCCTT[3] on transcript NM_006280.3 (MANE Select); three copies in a row of the 11-base unit GCACCTCCCTT starting at c.352-26.
Molecular consequence: splice acceptor variant.
Genome position: GRCh38 VCF-style: chrX-153798044-A-AGCACCTCCCTT. GRCh37 (hg19) VCF-style: chrX-153063499-A-AGCACCTCCCTT.
Other names: c.385-12_385-2dupCCTCCCTTGCA (NM_001204526.1); c.352-26GCACCTCCCTT[3] (NM_001440796.1); c.433-26GCACCTCCCTT[3] (NM_001440795.1); c.376-26GCACCTCCCTT[3] (NM_001204527.2); c.385-26GCACCTCCCTT[3] (NM_001204526.2).
Identifiers: ClinVar variation 422805 (VCV000422805.1), dbSNP rs782027067, ClinGen allele CA10553348.
Genomic context (GRCh38, chrX:153,798,044, plus strand): 5'-TGTTCCTACCTGTCTTTCCCCTCCCCTCCCCACCCCCACACGCCAGGCACCCCTGACCCC[A>AGCACCTCCCTT]GCACCTCCCTTGCACCTCCCTTGCAGGCTCAGAGGAATAACGAGGACATTTCCATCATCC-3'